The following is an entry in ClinVar:

NM_018975.4(TERF2IP):c.923A>G (p.Gln308Arg)

Gene: TERF2IP (TERF2 interacting protein; plus strand). Cytogenetic location: 16q23.1.
Variant type: single nucleotide variant.
Coding change: c.923A>G on transcript NM_018975.4 (MANE Select); coding-DNA position 923, A replaced by G.
Protein change: p.Gln308Arg; replaces glutamine 308 with arginine.
Molecular consequence: missense variant. On other transcripts: non-coding transcript variant (1).
Genome position (GRCh38, 1-based): chr16:75,656,334, A>G. VCF-style: chr16-75656334-A-G. GRCh37 (hg19) VCF-style: chr16-75690232-A-G.
Other names: short protein forms Q308R.
Identifiers: ClinVar variation 1766282 (VCV001766282.3), dbSNP rs75183545, ClinGen allele CA396819883.

ClinVar aggregate classification (germline): Uncertain significance (1 of 4 stars; one submission).

Submission:

Ambry Genetics
Classification: Uncertain significance. Last evaluated: 2024-07-01. Review status: criteria provided, single submitter. Criteria: Ambry Variant Classification Scheme 2023. Collection method: clinical testing. Allele origin: germline.
Comment: The p.Q308R variant (also known as c.923A>G), located in coding exon 3 of the TERF2IP gene, results from an A to G substitution at nucleotide position 923. The glutamine at codon 308 is replaced by arginine, an amino acid with highly similar properties. This amino acid position is conserved. In addition, this alteration is predicted to be tolerated by in silico analysis. Since supporting evidence is limited at this time, the clinical significance of this alteration remains unclear.